The following is an entry in ClinVar:

NM_019032.6(ADAMTSL4):c.2389G>A (p.Val797Met)

Gene: ADAMTSL4 (ADAMTS like 4; plus strand). Cytogenetic location: 1q21.2.
Variant type: single nucleotide variant.
Coding change: c.2389G>A on transcript NM_019032.6 (MANE Select); coding-DNA position 2389, G replaced by A.
Protein change: p.Val797Met; replaces valine 797 with methionine.
Molecular consequence: missense variant.
Genome position (GRCh38, 1-based): chr1:150,558,479, G>A. VCF-style: chr1-150558479-G-A. GRCh37 (hg19) VCF-style: chr1-150530955-G-A.
Other names: c.2272G>A, p.Val758Met (NM_001288607.2); c.2458G>A, p.Val820Met (NM_001288608.2); c.2389G>A, p.Val797Met (NM_001378596.1, NM_025008.5); c.2389G>A (NM_019032.4); short protein forms V797M, V758M, V820M.
Identifiers: ClinVar variation 1947878 (VCV001947878.3), dbSNP rs138636937, ClinGen allele CA1078657.

ClinVar aggregate classification (germline): Uncertain significance. Review status: criteria provided, multiple submitters, no conflicts (2 of 4 stars). 2 submissions from 2 submitters: Uncertain significance (2). Last evaluated 2024-05-12.

Conditions:
Inborn genetic diseases. Identifiers: MedGen C0950123, MeSH D030342.

Allele frequency attached by ClinVar (database versions not stated): gnomAD 0.00005; ExAC 0.00006; ESP Exome Variant Server 0.00008.

Submissions (2):

Ambry Genetics
Classification: Uncertain significance for Inborn genetic diseases. Last evaluated: 2024-05-12. Review status: criteria provided, single submitter. Criteria: Ambry Variant Classification Scheme 2023. Collection method: clinical testing. Allele origin: germline.

Labcorp Genetics (formerly Invitae), Labcorp
Classification: Uncertain significance. Last evaluated: 2022-07-23. Review status: criteria provided, single submitter. Criteria: Invitae Variant Classification Sherloc (09022015). Collection method: clinical testing. Allele origin: germline.
Comment: This sequence change replaces valine, which is neutral and non-polar, with methionine, which is neutral and non-polar, at codon 797 of the ADAMTSL4 protein (p.Val797Met). This variant is present in population databases (rs138636937, gnomAD 0.007%). This variant has not been reported in the literature in individuals affected with ADAMTSL4-related conditions. Algorithms developed to predict the effect of missense changes on protein structure and function are either unavailable or do not agree on the potential impact of this missense change (SIFT: "Deleterious"; PolyPhen-2: "Probably Damaging"; Align-GVGD: "Class C15"). In summary, the available evidence is currently insufficient to determine the role of this variant in disease. Therefore, it has been classified as a Variant of Uncertain Significance.